The following is an entry in ClinVar:

ClinVar aggregate classification (germline): Pathogenic. Review status: criteria provided, multiple submitters, no conflicts (2 of 4 stars). 3 submissions from 3 submitters: Pathogenic (2). 1 of the submissions does not count toward it. Last evaluated 2020-03-19.

Conditions:
Neurodegeneration with brain iron accumulation 5 (NBIA5). Also called: Beta-propeller protein-associated neurodegeneration; STATIC ENCEPHALOPATHY OF CHILDHOOD WITH NEURODEGENERATION IN ADULTHOOD. Identifiers: Orphanet 329284, MedGen C3550973, MONDO:0010476, OMIM 300894.

Submissions (3):

Labcorp Genetics (formerly Invitae), Labcorp
Classification: Pathogenic for Neurodegeneration with brain iron accumulation 5. Last evaluated: 2020-03-19. Review status: criteria provided, single submitter. Criteria: Invitae Variant Classification Sherloc (09022015). Collection method: clinical testing. Allele origin: germline.
Comment: This sequence change creates a premature translational stop signal (p.Tyr291*) in the WDR45 gene. It is expected to result in an absent or disrupted protein product. This variant is not present in population databases (ExAC no frequency). This variant has been observed in individual(s) with beta-propeller protein-associated neurodegeneration (PMID: 30612247). ClinVar contains an entry for this variant (Variation ID: 545700). Loss-of-function variants in WDR45 are known to be pathogenic (PMID: 23176820, 24368176, 24621584, 25744623, 26790960, 27030146, 27652284, 28554332). For these reasons, this variant has been classified as Pathogenic.

GeneDx
Classification: Pathogenic. Last evaluated: 2018-05-14. Review status: criteria provided, single submitter. Criteria: GeneDx Variant Classification (06012015). Collection method: clinical testing. Allele origin: germline. Affected: yes.
Comment: The Y291X nonsense variant in the WDR45 gene is predicted to cause loss of normal protein function either through protein truncation or nonsense-mediated mRNA decay. The Y291X variant is not observed in large population cohorts (Lek et al., 2016).

Aziz Sancar Institute of Experimental Medicine, Istanbul University
Classification: Pathogenic for Neurodegeneration with brain iron accumulation 5. Last evaluated: 2017-01-10. Review status: no assertion criteria provided. Collection method: clinical testing. Allele origin: de novo. Inheritance: Sporadic. Affected: yes. Observed: 1 variant allele. Not counted in ClinVar's aggregate classification.

Literature cited by the submitters: PubMed 30612247 (cited by Labcorp Genetics (formerly Invitae), Labcorp and Aziz Sancar Institute of Experimental Medicine, Istanbul University); PubMed 23176820 (cited by Labcorp Genetics (formerly Invitae), Labcorp); PubMed 24368176 (cited by Labcorp Genetics (formerly Invitae), Labcorp); PubMed 24621584 (cited by Labcorp Genetics (formerly Invitae), Labcorp); PubMed 25744623 (cited by Labcorp Genetics (formerly Invitae), Labcorp); PubMed 26790960 (cited by Labcorp Genetics (formerly Invitae), Labcorp); PubMed 27030146 (cited by Labcorp Genetics (formerly Invitae), Labcorp); PubMed 27652284 (cited by Labcorp Genetics (formerly Invitae), Labcorp); PubMed 28554332 (cited by Labcorp Genetics (formerly Invitae), Labcorp).

NM_001029896.2(WDR45):c.870C>G (p.Tyr290Ter)

Gene: WDR45 (WD repeat domain 45; minus strand). Cytogenetic location: Xp11.23.
Variant type: single nucleotide variant.
Coding change: c.870C>G on transcript NM_001029896.2 (MANE Select); coding-DNA position 870, C replaced by G.
Protein change: p.Tyr290Ter; replaces tyrosine 290 with a stop codon.
Molecular consequence: nonsense.
Genome position (GRCh38, 1-based): chrX:49,075,239, G>C on the plus strand (C>G on the coding strand, the complement: WDR45 is on the minus strand). VCF-style: chrX-49075239-G-C. GRCh37 (hg19) VCF-style: chrX-48932898-G-C.
Other names: c.873C>G, p.Tyr291Ter (NM_007075.4); short protein forms Y291*, Y290*.
Identifiers: ClinVar variation 545700 (VCV000545700.10), dbSNP rs782557596, ClinGen allele CA412942297.
Genomic context (GRCh38, chrX:49,075,239, plus strand): 5'-GCAGATGCAAGCTGACTCAGCAGGCACAGTGAAGCTCGCCAGGCTCCACTGAGAGTCCAC[G>C]TACTGCCCAATCATAGGCCCCACCTTGCCCACGCGAGCCAGCCTGCAGGCAGCACTGGCT-3'